The following is an entry in ClinVar:

NM_001134831.2(AHI1):c.2308G>A (p.Val770Ile)

Gene: AHI1 (Abelson helper integration site 1; minus strand). Cytogenetic location: 6q23.3.
Variant type: single nucleotide variant.
Coding change: c.2308G>A on transcript NM_001134831.2 (MANE Select); coding-DNA position 2308, G replaced by A.
Protein change: p.Val770Ile; replaces valine 770 with isoleucine.
Molecular consequence: missense variant.
Genome position (GRCh38, 1-based): chr6:135,431,273, C>T on the plus strand (G>A on the coding strand, the complement: AHI1 is on the minus strand). VCF-style: chr6-135431273-C-T. GRCh37 (hg19) VCF-style: chr6-135752411-C-T.
Other names: c.2308G>A, p.Val770Ile (NM_001134830.2, NM_001134832.2, NM_001350503.2 and 2 more transcripts); short protein forms V770I.
Identifiers: ClinVar variation 1359202 (VCV001359202.5), dbSNP rs1049221524, ClinGen allele CA148121042.

ClinVar aggregate classification (germline): Uncertain significance. Review status: criteria provided, multiple submitters, no conflicts (2 of 4 stars). 2 submissions from 2 submitters: Uncertain significance (2). Last evaluated 2024-01-24.

Conditions:
Joubert syndrome 3 (JBTS3). Also called: AHI1-related Ciliopathy. Identifiers: Orphanet 220493, MedGen C1837713, MONDO:0012078, OMIM 608629.
Joubert syndrome. Also called: CEREBELLOPARENCHYMAL DISORDER IV; JOUBERT-BOLTSHAUSER SYNDROME; Familial aplasia of the vermis. Identifiers: Orphanet 475, MedGen C5979921, MONDO:0018772.

Allele frequency attached by ClinVar (database versions not stated): TOPMed below 0.00001.
gnomAD v4.1: 1 of 1,609,142 alleles (0.000062%); no homozygotes.

Submissions (2):

Fulgent Genetics
Classification: Uncertain significance for Joubert syndrome 3. Last evaluated: 2024-01-24. Review status: criteria provided, single submitter. Criteria: ACMG Guidelines, 2015. Collection method: clinical testing. Allele origin: germline.

Labcorp Genetics (formerly Invitae), Labcorp
Classification: Uncertain significance for Joubert syndrome. Last evaluated: 2022-02-09. Review status: criteria provided, single submitter. Criteria: Invitae Variant Classification Sherloc (09022015). Collection method: clinical testing. Allele origin: germline.
Comment: This sequence change replaces valine, which is neutral and non-polar, with isoleucine, which is neutral and non-polar, at codon 770 of the AHI1 protein (p.Val770Ile). This variant is not present in population databases (gnomAD no frequency). This variant has not been reported in the literature in individuals affected with AHI1-related conditions. Advanced modeling of protein sequence and biophysical properties (such as structural, functional, and spatial information, amino acid conservation, physicochemical variation, residue mobility, and thermodynamic stability) performed at Invitae indicates that this missense variant is not expected to disrupt AHI1 protein function. In summary, the available evidence is currently insufficient to determine the role of this variant in disease. Therefore, it has been classified as a Variant of Uncertain Significance.